The following is an entry in ClinVar:

NM_003482.4(KMT2D):c.4694-10C>T

Gene: KMT2D (lysine methyltransferase 2D; minus strand). Cytogenetic location: 12q13.12.
Variant type: single nucleotide variant.
Coding change: c.4694-10C>T on transcript NM_003482.4 (MANE Select); 10 bases into the intron before coding-DNA position 4694, C replaced by T.
Molecular consequence: intron variant.
Genome position (GRCh38, 1-based): chr12:49,045,977, G>A on the plus strand (C>T on the coding strand, the complement: KMT2D is on the minus strand). VCF-style: chr12-49045977-G-A. GRCh37 (hg19) VCF-style: chr12-49439760-G-A.
Identifiers: ClinVar variation 3049625 (VCV003049625.2), dbSNP rs2120597451, ClinGen allele CA2726162033.

ClinVar aggregate classification (germline): Likely benign (0 of 4 stars; one submission).

Conditions:
KMT2D-related disorder. Also called: KMT2D-Related Disorders.

Submission:

PreventionGenetics, part of Exact Sciences
Classification: Likely benign for KMT2D-related condition. Last evaluated: 2022-12-29. Review status: no assertion criteria provided. Collection method: clinical testing. Allele origin: germline.
Comment: This variant is classified as likely benign based on ACMG/AMP sequence variant interpretation guidelines (Richards et al. 2015 PMID: 25741868, with internal and published modifications).